The following is an entry in ClinVar:

ClinVar aggregate classification (germline): Pathogenic (1 of 4 stars; one submission).

Submission:

Labcorp Genetics (formerly Invitae), Labcorp
Classification: Pathogenic. Last evaluated: 2025-12-11. Review status: criteria provided, single submitter. Criteria: Invitae Variant Classification Sherloc (09022015). Collection method: clinical testing. Allele origin: germline.
Comment: This sequence change creates a premature translational stop signal (p.Lys1192delinsAla*) in the MYO18B gene. It is expected to result in an absent or disrupted protein product. Loss-of-function variants in MYO18B are known to be pathogenic (PMID: 25748484, 32184166, 32637634). This variant is present in population databases (no rsID available, gnomAD 0.003%). This variant has not been reported in the literature in individuals affected with MYO18B-related conditions. ClinVar contains an entry for this variant (Variation ID: 3693280). For these reasons, this variant has been classified as Pathogenic.

Literature cited by the submitters: PubMed 25748484; PubMed 32184166; PubMed 32637634.

NM_032608.7(MYO18B):c.3565_3572dup (p.Ile1191_Lys1192insAlaTer)

Gene: MYO18B (myosin XVIIIB; plus strand). Cytogenetic location: 22q12.1.
Variant type: Duplication.
Coding change: c.3565_3572dup on transcript NM_032608.7 (MANE Select); coding-DNA positions 3565 to 3572, 8 bases duplicated (AGCATGAT; older notation c.3565_3572dupAGCATGAT).
Protein change: p.Ile1191_Lys1192insAlaTer.
Molecular consequence: nonsense.
Genome position (GRCh38, 1-based): chr22:25,847,442-25,847,449, AGCATGAT duplicated. VCF-style (leftmost placement, unchanged base first): chr22-25847441-C-CAGCATGAT. GRCh37 (hg19) VCF-style: chr22-26243408-C-CAGCATGAT.
Other names: c.3568_3575dup, p.Ile1192_Lys1193insAlaTer (NM_001318245.2).
Identifiers: ClinVar variation 3693280 (VCV003693280.2).